The following is an entry in ClinVar:

ClinVar aggregate classification (germline): Uncertain significance. Review status: criteria provided, multiple submitters, no conflicts (2 of 4 stars). 2 submissions from 2 submitters: Uncertain significance (2). Last evaluated 2021-08-05.

Conditions:
Klippel-Feil anomaly-myopathy-facial dysmorphism syndrome. Also called: Klippel-Feil syndrome 4, autosomal recessive, with myopathy and facial dysmorphism; Klippel-feil syndrome 4, autosomal recessive, with nemaline myopathy and facial dysmorphism. Identifiers: Orphanet 447974, MedGen C4225285, MONDO:0014689, OMIM 616549.

Allele frequency attached by ClinVar (database versions not stated): gnomAD exomes below 0.00001.
gnomAD v4.1: 1 of 1,613,090 alleles (0.000062%); highest among the groups gnomAD compares: South Asian, 0.0011%; no homozygotes.

Submissions (2):

Fulgent Genetics
Classification: Uncertain significance for Klippel-Feil anomaly-myopathy-facial dysmorphism syndrome. Last evaluated: 2021-08-05. Review status: criteria provided, single submitter. Criteria: ACMG Guidelines, 2015. Collection method: clinical testing. Allele origin: unknown.

Labcorp Genetics (formerly Invitae), Labcorp
Classification: Uncertain significance. Last evaluated: 2021-06-19. Review status: criteria provided, single submitter. Criteria: Invitae Variant Classification Sherloc (09022015). Collection method: clinical testing. Allele origin: germline.
Comment: In summary, the available evidence is currently insufficient to determine the role of this variant in disease. Therefore, it has been classified as a Variant of Uncertain Significance. Algorithms developed to predict the effect of missense changes on protein structure and function are either unavailable or do not agree on the potential impact of this missense change (SIFT: "Not Available"; PolyPhen-2: "Benign"; Align-GVGD: "Not Available"). This sequence change replaces glycine with valine at codon 415 of the MYO18B protein (p.Gly415Val). The glycine residue is weakly conserved and there is a moderate physicochemical difference between glycine and valine. This variant is not present in population databases (ExAC no frequency). This variant has not been reported in the literature in individuals with MYO18B-related conditions.

NM_032608.7(MYO18B):c.1244G>T (p.Gly415Val)

Gene: MYO18B (myosin XVIIIB; plus strand). Cytogenetic location: 22q12.1.
Variant type: single nucleotide variant.
Coding change: c.1244G>T on transcript NM_032608.7 (MANE Select); coding-DNA position 1244, G replaced by T.
Protein change: p.Gly415Val; replaces glycine 415 with valine.
Molecular consequence: missense variant.
Genome position (GRCh38, 1-based): chr22:25,769,160, G>T. VCF-style: chr22-25769160-G-T. GRCh37 (hg19) VCF-style: chr22-26165127-G-T.
Other names: c.1244G>T, p.Gly415Val (NM_001318245.2); short protein forms G415V.
Identifiers: ClinVar variation 1484484 (VCV001484484.9), dbSNP rs2145588441, ClinGen allele CA411004454.